The following is an entry in ClinVar:

NM_005412.6(SHMT2):c.361C>T (p.Arg121Cys)

Gene: SHMT2 (serine hydroxymethyltransferase 2; plus strand). Cytogenetic location: 12q13.3.
Variant type: single nucleotide variant.
Coding change: c.361C>T on transcript NM_005412.6 (MANE Select); coding-DNA position 361, C replaced by T.
Protein change: p.Arg121Cys; replaces arginine 121 with cysteine.
Molecular consequence: missense variant. On other transcripts: non-coding transcript variant (4).
Genome position (GRCh38, 1-based): chr12:57,231,762, C>T. VCF-style: chr12-57231762-C-T. GRCh37 (hg19) VCF-style: chr12-57625545-C-T.
Other names: c.361C>T, p.Arg121Cys (NM_001166356.2); c.298C>T, p.Arg100Cys (NM_001166357.1, NM_001166358.2, NM_001166359.1); short protein forms R100C, R121C.
Identifiers: ClinVar variation 3033388 (VCV003033388.2), dbSNP rs375584473, ClinGen allele CA6646345.

ClinVar aggregate classification (germline): Likely benign (0 of 4 stars; one submission).

Conditions:
SHMT2-related disorder. Also called: SHMT2-related condition.

Allele frequency attached by ClinVar (database versions not stated): gnomAD exomes 0.00010; TOPMed 0.00012; gnomAD 0.00020; ExAC 0.00028; 1000 Genomes Project 0.00120; 1000 Genomes Project 30x 0.00125.
gnomAD v4.1: 188 of 1,614,210 alleles (0.012%); highest among the groups gnomAD compares: East Asian, 0.2%; 1 homozygote.

Submission:

PreventionGenetics, part of Exact Sciences
Classification: Likely benign for SHMT2-related condition. Last evaluated: 2023-01-03. Review status: no assertion criteria provided. Collection method: clinical testing. Allele origin: germline.
Comment: This variant is classified as likely benign based on ACMG/AMP sequence variant interpretation guidelines (Richards et al. 2015 PMID: 25741868, with internal and published modifications).